The following is an entry in ClinVar:

NM_004972.4(JAK2):c.743G>C (p.Arg248Thr)

Genes: INSL6 (insulin like 6; minus strand), JAK2 (Janus kinase 2; plus strand). Cytogenetic location: 9p24.1.
Variant type: single nucleotide variant.
Coding change: c.743G>C on transcript NM_004972.4 (MANE Select); coding-DNA position 743, G replaced by C.
Protein change: p.Arg248Thr; replaces arginine 248 with threonine.
Molecular consequence: missense variant. On other transcripts: 5 prime UTR variant (2), non-coding transcript variant (2).
Genome position (GRCh38, 1-based): chr9:5,054,691, G>C. VCF-style: chr9-5054691-G-C. GRCh37 (hg19) VCF-style: chr9-5054691-G-C.
Other names: c.743G>C, p.Arg248Thr (NM_001322194.2, NM_001322195.2, NM_001322196.2); c.-378G>C (NM_001322198.2, NM_001322199.2); c.296G>C, p.Arg99Thr (NM_001322204.2); short protein forms R248T, R99T.
Identifiers: ClinVar variation 2629226 (VCV002629226.3), dbSNP rs920001853, ClinGen allele CA188412374.

ClinVar aggregate classification (germline): Uncertain significance. Review status: criteria provided, multiple submitters, no conflicts (2 of 4 stars). 3 submissions from 3 submitters: Uncertain significance (3). Last evaluated 2025-07-09.

Conditions:
JAK2-related disorder. Also called: JAK2-related condition.
Inborn genetic diseases. Identifiers: MedGen C0950123, MeSH D030342.

Allele frequency attached by ClinVar (database versions not stated): gnomAD exomes below 0.00001; TOPMed 0.00003; gnomAD 0.00005.
gnomAD v4.1: 9 of 1,613,290 alleles (0.00056%); highest among the groups gnomAD compares: African/African-American, 0.011%; no homozygotes.

Submissions (3):

Labcorp Genetics (formerly Invitae), Labcorp
Classification: Uncertain significance. Last evaluated: 2025-07-09. Review status: criteria provided, single submitter. Criteria: Invitae Variant Classification Sherloc (09022015). Collection method: clinical testing. Allele origin: germline.
Comment: This sequence change replaces arginine, which is basic and polar, with threonine, which is neutral and polar, at codon 248 of the JAK2 protein (p.Arg248Thr). This variant is present in population databases (no rsID available, gnomAD 0.01%). This variant has not been reported in the literature in individuals affected with JAK2-related conditions. ClinVar contains an entry for this variant (Variation ID: 2629226). Invitae Evidence Modeling of protein sequence and biophysical properties (such as structural, functional, and spatial information, amino acid conservation, physicochemical variation, residue mobility, and thermodynamic stability) indicates that this missense variant is not expected to disrupt JAK2 protein function with a negative predictive value of 80%. In summary, the available evidence is currently insufficient to determine the role of this variant in disease. Therefore, it has been classified as a Variant of Uncertain Significance.

Ambry Genetics
Classification: Uncertain significance for Inborn genetic diseases. Last evaluated: 2024-05-15. Review status: criteria provided, single submitter. Criteria: Ambry Variant Classification Scheme 2023. Collection method: clinical testing. Allele origin: germline.

PreventionGenetics, part of Exact Sciences
Classification: Uncertain significance for JAK2-related condition. Last evaluated: 2023-06-16. Review status: criteria provided, single submitter. Criteria: ACMG Guidelines, 2015. Collection method: clinical testing. Allele origin: germline.
Comment: The JAK2 c.743G>C variant is predicted to result in the amino acid substitution p.Arg248Thr. To our knowledge, this variant has not been reported in the literature. This variant is reported in 0.011% of alleles in individuals of African descent in gnomAD. At this time, the clinical significance of this variant is uncertain due to the absence of conclusive functional and genetic evidence.